The following is an entry in ClinVar:

ClinVar aggregate classification (germline): Uncertain significance (1 of 4 stars; one submission).

Conditions:
Beckwith-Wiedemann syndrome (BWS). Also called: EMG SYNDROME; Exomphalos macroglossia gigantism syndrome. Identifiers: Orphanet 116, MedGen C0004903, MONDO:0007534, OMIM 130650.

Submission:

Labcorp Genetics (formerly Invitae), Labcorp
Classification: Uncertain significance for Beckwith-Wiedemann syndrome. Last evaluated: 2023-08-18. Review status: criteria provided, single submitter. Criteria: Invitae Variant Classification Sherloc (09022015). Collection method: clinical testing. Allele origin: germline.
Comment: In summary, the available evidence is currently insufficient to determine the role of this variant in disease. Therefore, it has been classified as a Variant of Uncertain Significance. Advanced modeling of protein sequence and biophysical properties (such as structural, functional, and spatial information, amino acid conservation, physicochemical variation, residue mobility, and thermodynamic stability) performed at Invitae indicates that this missense variant is not expected to disrupt CDKN1C protein function. This variant has not been reported in the literature in individuals affected with CDKN1C-related conditions. The frequency data for this variant in the population databases is considered unreliable, as metrics indicate insufficient coverage at this position in the gnomAD database. This sequence change replaces alanine, which is neutral and non-polar, with glycine, which is neutral and non-polar, at codon 181 of the CDKN1C protein (p.Ala181Gly).

NM_001122630.2(CDKN1C):c.509C>G (p.Ala170Gly)

Gene: CDKN1C (cyclin dependent kinase inhibitor 1C; minus strand). Cytogenetic location: 11p15.4.
Variant type: single nucleotide variant.
Coding change: c.509C>G on transcript NM_001122630.2 (MANE Select); coding-DNA position 509, C replaced by G.
Protein change: p.Ala170Gly; replaces alanine 170 with glycine.
Molecular consequence: missense variant. On other transcripts: intron variant (1).
Genome position (GRCh38, 1-based): chr11:2,884,948, G>C on the plus strand (C>G on the coding strand, the complement: CDKN1C is on the minus strand). VCF-style: chr11-2884948-G-C. GRCh37 (hg19) VCF-style: chr11-2906178-G-C.
Other names: c.542C>G, p.Ala181Gly (NM_000076.2, NM_001362474.2); c.509C>G, p.Ala170Gly (NM_001122631.2); c.255+254C>G (NM_001362475.2); short protein forms A181G, A170G.
Identifiers: ClinVar variation 2753671 (VCV002753671.3), dbSNP rs1332953428, ClinGen allele CA379146499.
Genomic context (GRCh38, chr11:2,884,948, plus strand): 5'-GCTGGGGCCGGGGCCGCGACTGGAGCCGGGGCCGGAGCCGGAGCCGGAGCCGGGGCCGGG[G>C]CCGGGGCCAGGACCGCGACCGCGACCGGAGCCGCGACCGGAGCCGCGACCGGAGCCGGAG-3'
Protein context (NP_001116102.1, residues 160-180): APVAVAVLAP[Ala170Gly]PAPAPAPAPA